The following is an entry in ClinVar:

NM_033419.5(PGAP3):c.314C>A (p.Pro105Gln)

Gene: PGAP3 (post-GPI attachment to proteins phospholipase 3; minus strand). Cytogenetic location: 17q12.
Variant type: single nucleotide variant.
Coding change: c.314C>A on transcript NM_033419.5 (MANE Select); coding-DNA position 314, C replaced by A.
Protein change: p.Pro105Gln; replaces proline 105 with glutamine.
Molecular consequence: missense variant. On other transcripts: intron variant (1).
Genome position (GRCh38, 1-based): chr17:39,684,715, G>T on the plus strand (C>A on the coding strand, the complement: PGAP3 is on the minus strand). VCF-style: chr17-39684715-G-T. GRCh37 (hg19) VCF-style: chr17-37840968-G-T.
Other names: c.314C>A, p.Pro105Gln (NM_001291728.2, NM_001291730.2, NM_001291732.2 and 1 more transcripts); c.279+1207C>A (NM_001291726.2); short protein forms P105Q.
Identifiers: ClinVar variation 1705418 (VCV001705418.3), dbSNP rs371549948, ClinGen allele CA399260982.

ClinVar aggregate classification (germline): Likely pathogenic. Review status: criteria provided, multiple submitters, no conflicts (2 of 4 stars). 2 submissions from 2 submitters: Likely pathogenic (2). Last evaluated 2025-07-27.

Conditions:
Hyperphosphatasia with impaired intellectual development syndrome 4. Also called: Hyperphosphatasia with intellectual disability syndrome 4; GLYCOSYLPHOSPHATIDYLINOSITOL BIOSYNTHESIS DEFECT 10. Identifiers: Orphanet 247262, MedGen C3810354, MONDO:0014318, OMIM 615716.

gnomAD v4.1: 1 of 1,612,034 alleles (0.000062%); highest among the groups gnomAD compares: Non-Finnish European, 0.000085%; no homozygotes.

Submissions (2):

Victorian Clinical Genetics Services, Murdoch Childrens Research Institute
Classification: Likely pathogenic for Hyperphosphatasia with impaired intellectual development syndrome 4. Last evaluated: 2025-07-27. Review status: criteria provided, single submitter. Criteria: ACMG Guidelines, 2015. Collection method: clinical testing. Allele origin: germline. Affected: yes.
Comment: This variant is classified as Likely pathogenic. Evidence in support of pathogenic classification: Variant is present in gnomAD <0.01 for a recessive condition (v4: 1 heterozygote(s), 0 homozygote(s)); This variant has limited previous evidence of pathogenicity in unrelated individual(s). This variant has been classified as likely pathogenic by a clinical laboratory in ClinVar, and reported in an affected individual in the literature. In both cases, the variant was homozygous (PMID: 29531774); Other missense variant(s) comparable to the one identified in this case have limited previous evidence for pathogenicity. p.(Pro105Leu) has been classified as a VUS by a clinical laboratory in ClinVar. Additionally, p.(Pro105Arg) has been reported in a homozygous state in an individual with intellectual disability, dysmorphic features, and hyperphosphatasia (PMID: 24439110). Additional information: Variant is predicted to result in a missense amino acid change from Pro to Gln; This variant is heterozygous; This gene is associated with autosomal recessive disease; Alternative amino acid change(s) at the same position are present in gnomAD (Highest allele count: v4: 10 heterozygote(s), 0 homozygote(s)); No published functional evidence has been identified for this variant; Variant is located in the annotated Per1-like family domain (DECIPHER); Missense variant with inconclusive in silico prediction and uninformative conservation; Loss of function is a known mechanism of disease in this gene and is associated with hyperphosphatasia with impaired intellectual development syndrome 4 (MIM#615716); Parental origin of the variant is unresolved.

3billion
Classification: Likely pathogenic for Hyperphosphatasia with impaired intellectual development syndrome 4. Last evaluated: 2022-09-01. Review status: criteria provided, single submitter. Criteria: ACMG Guidelines, 2015. Collection method: clinical testing. Allele origin: germline. Affected: yes. Observed: 1 homozygote.
Comment: The variant is not observed in the gnomAD v2.1.1 dataset. In silico tool predictions suggest damaging effect of the variant on gene or gene product (REVEL: 0.68; 3Cnet: 0.92). Same nucleotide change resulting in same amino acid change has been previously reported as pathogenic/likely pathogenic with strong evidence (PMID: 29531774). A different missense change at the same codon (p.Pro105Arg) has been reported to be associated with PGAP3-related disorder (ClinVar ID: VCV000125440 / PMID: 24439110 ).Therefore, this variant is classified as Likely pathogenic according to the recommendation of ACMG/AMP guideline.

Literature cited by the submitters: PubMed 24439110 (cited by Victorian Clinical Genetics Services, Murdoch Childrens Research Institute and 3billion); PubMed 29531774 (cited by Victorian Clinical Genetics Services, Murdoch Childrens Research Institute and 3billion).